The following is an entry in ClinVar:

NM_024589.3(ROGDI):c.491_508dup (p.Pro169_Glu170insAlaThrLeuThrLeuPro)

Gene: ROGDI (rogdi atypical leucine zipper; minus strand). Cytogenetic location: 16p13.3.
Variant type: Duplication.
Coding change: c.491_508dup on transcript NM_024589.3 (MANE Select); coding-DNA positions 491 to 508, 18 bases duplicated (CCACCCTCACCCTCCCCG).
Protein change: p.Pro169_Glu170insAlaThrLeuThrLeuPro.
Molecular consequence: inframe insertion. On other transcripts: non-coding transcript variant (1), inframe indel (1).
Genome position (GRCh38, 1-based): chr16:4,798,592-4,798,609, CGGGGAGGGTGAGGGTGG duplicated on the plus strand (CCACCCTCACCCTCCCCG on the coding strand, the reverse complement: ROGDI is on the minus strand); duplicating any 18 consecutive bases within chr16:4,798,592-4,798,614 gives the same sequence; the c. name uses the placement nearest the transcript's 3' end. VCF-style (leftmost placement, unchanged base first): chr16-4798591-T-TCGGGGAGGGTGAGGGTGG. GRCh37 (hg19) VCF-style: chr16-4848592-T-TCGGGGAGGGTGAGGGTGG.
Other names: c.491_508dup (NM_024589.2).
Identifiers: ClinVar variation 1878891 (VCV001878891.1), dbSNP rs2505718466, ClinGen allele CA2580091175.

ClinVar aggregate classification (germline): Uncertain significance (1 of 4 stars; one submission).

Submission:

GeneDx
Classification: Uncertain significance. Last evaluated: 2022-07-14. Review status: criteria provided, single submitter. Criteria: GeneDx Variant Classification Process June 2021. Collection method: clinical testing. Allele origin: germline. Affected: yes.
Comment: Not observed at significant frequency in large population cohorts (gnomAD); In-frame insertion of 6 amino acids in a non-repeat region; Has not been previously published as pathogenic or benign to our knowledge